The following is an entry in ClinVar:

ClinVar aggregate classification (germline): Uncertain significance (1 of 4 stars; one submission).

Conditions:
Bloom syndrome (BLM). Also called: Bloom-Torre-Machacek syndrome. Identifiers: Orphanet 125, MedGen C0005859, MONDO:0008876, OMIM 210900.

Allele frequency attached by ClinVar (database versions not stated): gnomAD exomes below 0.00001; ExAC 0.00001.

Submission:

Labcorp Genetics (formerly Invitae), Labcorp
Classification: Uncertain significance for Bloom syndrome. Last evaluated: 2019-12-14. Review status: criteria provided, single submitter. Criteria: Invitae Variant Classification Sherloc (09022015). Collection method: clinical testing. Allele origin: germline.
Comment: In summary, the available evidence is currently insufficient to determine the role of this variant in disease. Therefore, it has been classified as a Variant of Uncertain Significance. Algorithms developed to predict the effect of missense changes on protein structure and function (SIFT, PolyPhen-2, Align-GVGD) all suggest that this variant is likely to be tolerated, but these predictions have not been confirmed by published functional studies and their clinical significance is uncertain. This variant has not been reported in the literature in individuals with BLM-related conditions. This variant is present in population databases (rs761783430, ExAC 0.01%). This sequence change replaces serine with asparagine at codon 349 of the BLM protein (p.Ser349Asn). The serine residue is weakly conserved and there is a small physicochemical difference between serine and asparagine.

NM_000057.4(BLM):c.1046G>A (p.Ser349Asn)

Gene: BLM (BLM RecQ like helicase; plus strand). Cytogenetic location: 15q26.1.
Variant type: single nucleotide variant.
Coding change: c.1046G>A on transcript NM_000057.4 (MANE Select); coding-DNA position 1046, G replaced by A.
Protein change: p.Ser349Asn; replaces serine 349 with asparagine.
Molecular consequence: missense variant. On other transcripts: 5 prime UTR variant (1).
Genome position (GRCh38, 1-based): chr15:90,754,897, G>A. VCF-style: chr15-90754897-G-A. GRCh37 (hg19) VCF-style: chr15-91298127-G-A.
Other names: c.1046G>A, p.Ser349Asn (NM_001287246.2, NM_001287247.2); c.-246G>A (NM_001287248.2); short protein forms S349N.
Identifiers: ClinVar variation 859528 (VCV000859528.10), dbSNP rs761783430, ClinGen allele CA7738415.